The following is an entry in ClinVar:

NM_000093.5(COL5A1):c.3775C>G (p.Pro1259Ala)

Gene: COL5A1 (collagen type V alpha 1 chain; plus strand). Cytogenetic location: 9q34.3.
Variant type: single nucleotide variant.
Coding change: c.3775C>G on transcript NM_000093.5 (MANE Select); coding-DNA position 3775, C replaced by G.
Protein change: p.Pro1259Ala; replaces proline 1259 with alanine.
Molecular consequence: missense variant.
Genome position (GRCh38, 1-based): chr9:134,812,635, C>G. VCF-style: chr9-134812635-C-G. GRCh37 (hg19) VCF-style: chr9-137704481-C-G.
Other names: c.3775C>G, p.Pro1259Ala (NM_001278074.1); short protein forms P1259A.
Identifiers: ClinVar variation 1316186 (VCV001316186.2), dbSNP rs1352207961, ClinGen allele CA375454878.
Genomic context (GRCh38, chr9:134,812,635, plus strand): 5'-CTGGGCTCAGTGGTCTCTCCCTTTTCCTAGGGCCCCCCGGGTCCCCCTGGCCCCCGAGGA[C>G]CCTCCGGAGCTCCAGGTGCTGATGGCCCACAAGGTCCCCCAGGTGGAATAGGAAACCCTG-3'
Protein context (NP_000084.3, residues 1249-1269): GPPGPPGPRG[Pro1259Ala]SGAPGADGPQ

ClinVar aggregate classification (germline): Uncertain significance (1 of 4 stars; one submission).

gnomAD v4.1: 1 of 1,601,270 alleles (0.000062%); no homozygotes.

Submission:

GeneDx
Classification: Uncertain significance. Last evaluated: 2019-03-15. Review status: criteria provided, single submitter. Criteria: GeneDx Variant Classification Process June 2021. Collection method: clinical testing. Allele origin: germline. Affected: yes.
Comment: Not observed in large population cohorts (Lek et al., 2016); Occurs in the triple helical domain at the X position in the canonical Gly-X-Y repeat; although this variant may have an effect on normal protein folding and function, missense substitution at the X position is not a common mechanism of disease (Symoens et al., 2012; Stenson et al., 2014)